The following is an entry in ClinVar:

ClinVar aggregate classification (germline): Uncertain significance (1 of 4 stars; one submission).

Conditions:
Muscular dystrophy-dystroglycanopathy (congenital with impaired intellectual development), type B, 1. Also called: Muscular dystrophy-dystroglycanopathy (congenital with intellectual disability), type B1; MUSCULAR DYSTROPHY, CONGENITAL, POMT1-RELATED. Identifiers: MedGen C5436962, MONDO:0013159, OMIM 613155.
Walker-Warburg congenital muscular dystrophy. Also called: Muscular dystrophy-dystroglycanopathy, type A; Walker-Warburg syndrome. Identifiers: Orphanet 899, MedGen C0265221, MONDO:0000171.
Autosomal recessive limb-girdle muscular dystrophy type 2K. Also called: MUSCULAR DYSTROPHY-DYSTROGLYCANOPATHY (LIMB-GIRDLE), TYPE C, 1; MUSCULAR DYSTROPHY, LIMB-GIRDLE, TYPE 2K. Identifiers: Orphanet 86812, MedGen C1836373, MONDO:0012248, OMIM 609308.

Submission:

Labcorp Genetics (formerly Invitae), Labcorp
Classification: Uncertain significance for Muscular dystrophy-dystroglycanopathy (congenital with impaired intellectual development), type B, 1; Walker-Warburg congenital muscular dystrophy; Autosomal recessive limb-girdle muscular dystrophy type 2K. Last evaluated: 2022-02-04. Review status: criteria provided, single submitter. Criteria: Invitae Variant Classification Sherloc (09022015). Collection method: clinical testing. Allele origin: germline.
Comment: This variant has not been reported in the literature in individuals affected with POMT1-related conditions. This variant is not present in population databases (gnomAD no frequency). This sequence change falls in intron 18 of the POMT1 gene. It does not directly change the encoded amino acid sequence of the POMT1 protein. It affects a nucleotide within the consensus splice site. In summary, the available evidence is currently insufficient to determine the role of this variant in disease. Therefore, it has been classified as a Variant of Uncertain Significance. Variants that disrupt the consensus splice site are a relatively common cause of aberrant splicing (PMID: 17576681, 9536098). Algorithms developed to predict the effect of sequence changes on RNA splicing suggest that this variant may disrupt the consensus splice site.

Literature cited by the submitters: PubMed 17576681; PubMed 9536098.

NM_001077365.2(POMT1):c.1825+4A>C

Gene: POMT1 (protein O-mannosyltransferase 1; plus strand). Cytogenetic location: 9q34.13.
Variant type: single nucleotide variant.
Coding change: c.1825+4A>C on transcript NM_001077365.2 (MANE Select); 4 bases into the intron after coding-DNA position 1825, A replaced by C.
Molecular consequence: intron variant.
Genome position (GRCh38, 1-based): chr9:131,521,476, A>C. VCF-style: chr9-131521476-A-C. GRCh37 (hg19) VCF-style: chr9-134396863-A-C.
Other names: c.1729+4A>C (NM_001353198.2, NM_001353197.2); c.1891+4A>C (NM_001353193.2, NM_007171.4); c.1825+4A>C (NM_001136113.2); c.1663+4A>C (NM_001353194.2, NM_001077366.2); c.1474+4A>C (NM_001374691.1, NM_001353195.2, NM_001374692.1 and 2 more transcripts); c.1606+4A>C (NM_001374690.1); c.1735+4A>C (NM_001353196.2); c.1435+4A>C (NM_001374695.1); and 3 more.
Identifiers: ClinVar variation 2092741 (VCV002092741.4), dbSNP rs2539455262, ClinGen allele CA2580079877.